The following is an entry in ClinVar:

ClinVar aggregate classification (germline): Uncertain significance (1 of 4 stars; one submission).

Submission:

Ambry Genetics
Classification: Uncertain significance. Last evaluated: 2024-08-20. Review status: criteria provided, single submitter. Criteria: Ambry Variant Classification Scheme 2023. Collection method: clinical testing. Allele origin: germline.
Comment: The p.E2021K variant (also known as c.6061G>A), located in coding exon 10 of the ALPK2 gene, results from a G to A substitution at nucleotide position 6061. The glutamic acid at codon 2021 is replaced by lysine, an amino acid with similar properties. This amino acid position is conserved. In addition, this alteration is predicted to be tolerated by in silico analysis. Based on the available evidence, the clinical significance of this variant remains unclear.

NM_052947.4(ALPK2):c.6061G>A (p.Glu2021Lys)

Gene: ALPK2 (alpha kinase 2; minus strand). Cytogenetic location: 18q21.31.
Variant type: single nucleotide variant.
Coding change: c.6061G>A on transcript NM_052947.4 (MANE Select); coding-DNA position 6061, G replaced by A.
Protein change: p.Glu2021Lys; replaces glutamic acid 2021 with lysine.
Molecular consequence: missense variant.
Genome position (GRCh38, 1-based): chr18:58,504,117, C>T on the plus strand (G>A on the coding strand, the complement: ALPK2 is on the minus strand). VCF-style: chr18-58504117-C-T. GRCh37 (hg19) VCF-style: chr18-56171349-C-T.
Other names: short protein forms E2021K.
Identifiers: ClinVar variation 3531253 (VCV003531253.1).